The following is an entry in ClinVar:

NM_015001.3(SPEN):c.4066C>G (p.Pro1356Ala)

Gene: SPEN (spen family transcriptional repressor; plus strand). Cytogenetic location: 1p36.13.
Variant type: single nucleotide variant.
Coding change: c.4066C>G on transcript NM_015001.3 (MANE Select); coding-DNA position 4066, C replaced by G.
Protein change: p.Pro1356Ala; replaces proline 1356 with alanine.
Molecular consequence: missense variant.
Genome position (GRCh38, 1-based): chr1:15,930,306, C>G. VCF-style: chr1-15930306-C-G. GRCh37 (hg19) VCF-style: chr1-16256801-C-G.
Other names: short protein forms P1356A.
Identifiers: ClinVar variation 4529858 (VCV004529858.2).

ClinVar aggregate classification (germline): Uncertain significance (1 of 4 stars; one submission).

Submission:

GeneDx
Classification: Uncertain significance. Last evaluated: 2026-09-17. Review status: criteria provided, single submitter. Criteria: GeneDx Variant Classification Process June 2021. Collection method: clinical testing. Allele origin: germline.
Comment: Not observed at significant frequency in large population cohorts (gnomAD); In silico analysis suggests that this missense variant does not alter protein structure/function; Has not been previously published as pathogenic or benign to our knowledge